The following is an entry in ClinVar:

NM_003242.6(TGFBR2):c.1647del (p.Arg550fs)

Gene: TGFBR2 (transforming growth factor beta receptor 2; plus strand). Cytogenetic location: 3p24.1.
Variant type: Deletion.
Coding change: c.1647del on transcript NM_003242.6 (MANE Select); coding-DNA position 1647, one base deleted (G; older notation c.1647delG).
Protein change: p.Arg550fs; shifts the reading frame from arginine 550.
Molecular consequence: frameshift variant.
Genome position (GRCh38, 1-based): chr3:30,691,542, G deleted; the last of 4 consecutive G bases (chr3:30,691,539-30,691,542); deleting any one gives the same sequence. VCF-style (leftmost placement, unchanged base first): chr3-30691538-CG-C. GRCh37 (hg19) VCF-style: chr3-30733030-CG-C.
Other names: c.1722del, p.Arg575fs (NM_001024847.3); c.1830del, p.Arg611fs (NM_001407126.1); c.1755del, p.Arg586fs (NM_001407127.1); c.1674del, p.Arg559fs (NM_001407128.1); c.1650del, p.Arg551fs (NM_001407129.1); c.1644del, p.Arg549fs (NM_001407130.1); c.1542del, p.Arg515fs (NM_001407132.1, NM_001407133.1, NM_001407134.1 and 2 more transcripts); c.1362del, p.Arg455fs (NM_001407137.1); and 2 more; short protein forms R260fs, R430fs, R455fs, R515fs, R549fs, R550fs, R551fs, R559fs.
Identifiers: ClinVar variation 3386073 (VCV003386073.1).

ClinVar aggregate classification (germline): Uncertain significance (1 of 4 stars; one submission).

Conditions:
Loeys-Dietz syndrome 2 (LDS2). Also called: TGFBR2-Related Loeys-Dietz Syndrome; AORTIC ANEURYSM, FAMILIAL THORACIC 3; MARFAN SYNDROME, TYPE II; Marfan syndrome, type 2 (formerly); Marfan Syndrome type 2; Marfan like connective tissue disorder. Identifiers: Orphanet 284973, Orphanet 558, MedGen C2674574, MONDO:0012427, OMIM 610168.

Submission:

All of Us Research Program, National Institutes of Health
Classification: Uncertain significance for Loeys-Dietz syndrome 2. Last evaluated: 2024-03-14. Review status: criteria provided, single submitter. Criteria: ACMG Guidelines, 2015. Collection method: clinical testing. Allele origin: germline. Inheritance: Autosomal dominant inheritance. Observed: 1 variant allele, 1 heterozygote.
Comment: This study involves interpretation of variants in research participants for the purpose of population health screening. Participant phenotype was not available at the time of variant classification. Additional details can be found in publication PMID: 35346344, PMCID: PMC8962531